The following is an entry in ClinVar:

NM_000512.5(GALNS):c.424C>A (p.His142Asn)

Gene: GALNS (galactosamine (N-acetyl)-6-sulfatase; minus strand). Cytogenetic location: 16q24.3.
Variant type: single nucleotide variant.
Coding change: c.424C>A on transcript NM_000512.5 (MANE Select); coding-DNA position 424, C replaced by A.
Protein change: p.His142Asn; replaces histidine 142 with asparagine.
Molecular consequence: missense variant. On other transcripts: 5 prime UTR variant (1).
Genome position (GRCh38, 1-based): chr16:88,837,764, G>T on the plus strand (C>A on the coding strand, the complement: GALNS is on the minus strand). VCF-style: chr16-88837764-G-T. GRCh37 (hg19) VCF-style: chr16-88904172-G-T.
Other names: c.-132C>A (NM_001323543.2); c.442C>A, p.His148Asn (NM_001323544.2); short protein forms H142N, H148N.
Identifiers: ClinVar variation 1048454 (VCV001048454.3), dbSNP rs2143002472, ClinGen allele CA397083882.

ClinVar aggregate classification (germline): Uncertain significance (1 of 4 stars; one submission).

Conditions:
Mucopolysaccharidosis, MPS-IV-A (MPS4A). Also called: Mucopolysaccharidosis type IV A; Mucopolysaccharidosis Type IVA; Morquio syndrome A, mild; MORQUIO SYNDROME A; MPS IVA; mucopolysaccharidosis type 4A. Identifiers: Orphanet 309297, Orphanet 582, MedGen C0086651, MONDO:0009659, OMIM 253000.

Submission:

Laboratory of Diagnosis and Therapy of Lysosomal Disorders, University of Padova
Classification: Uncertain significance for Mucopolysaccharidosis, MPS-IV-A. Last evaluated: 2021-02-01. Review status: criteria provided, single submitter. Criteria: ACMG Guidelines, 2015. Collection method: curation. Allele origin: germline. Affected: yes.
Comment: Located in a mutational hot spot and/or critical and well-established functional domain without benign variation (PM1_moderate); absent from gnomAD v2.1.1 (PM2_moderate); multiple lines of computational evidence support a deleterious effect on the gene (PP3_supporting)

Literature cited by the submitters: PubMed 25545067; PubMed 34387910.